The following is an entry in ClinVar:

ClinVar aggregate classification (germline): Benign (1 of 4 stars; one submission).

gnomAD v4.1: 73,796 of 152,094 alleles (49%); highest among the groups gnomAD compares: Middle Eastern, 56%; 17,905 homozygotes.

Submission:

Unidad de Genómica Garrahan, Hospital de Pediatría Garrahan
Classification: Benign. Last evaluated: 2024-07-31. Review status: criteria provided, single submitter. Criteria: ACMG Guidelines, 2015. Collection method: clinical testing. Allele origin: germline. Affected: no. Observed: 70 variant alleles.
Comment: This variant is classified as Benign based on local population frequency. This variant was detected in 75% of patients studied in a panel designed for Epileptic and Developmental Encephalopathy, Progressive Myoclonus Epilepsy and Abnormal Movements and Neurodegeneration with brain iron accumulation. Number of patients: 70. Only high quality variants are reported.

NM_001321133.2(GOSR2):c.583+10296G>A

Genes: GOSR2 (golgi SNAP receptor complex member 2; plus strand), LRRC37A2 (leucine rich repeat containing 37 member A2). Cytogenetic location: 17q21.32.
Variant type: single nucleotide variant.
Coding change: c.583+10296G>A on transcript NM_001321133.2; 10296 bases into the intron after coding-DNA position 583, G replaced by A.
Molecular consequence: intron variant.
Genome position (GRCh38, 1-based): chr17:46,949,000, G>A. VCF-style: chr17-46949000-G-A. GRCh37 (hg19) VCF-style: chr17-45026366-G-A.
Identifiers: ClinVar variation 3256854 (VCV003256854.2).
Genomic context (GRCh38, chr17:46,949,000, plus strand): 5'-TAGCTACGAACTGAGCACCCACCAGGTGCCAGTCACGGGACTGGGCCTTGGAGAACAGAC[G>A]TGACCCACCTGCATTGTGATCCACTGCTGTGTAACAAATCACCACAAAACATAGGGGCTG-3'